The following is an entry in ClinVar:

NM_014625.4(NPHS2):c.562G>T (p.Glu188Ter)

Gene: NPHS2 (NPHS2 stomatin family member, podocin; minus strand). Cytogenetic location: 1q25.2.
Variant type: single nucleotide variant.
Coding change: c.562G>T on transcript NM_014625.4 (MANE Select); coding-DNA position 562, G replaced by T.
Protein change: p.Glu188Ter; replaces glutamic acid 188 with a stop codon.
Molecular consequence: nonsense. On other transcripts: intron variant (1).
Genome position (GRCh38, 1-based): chr1:179,557,203, C>A on the plus strand (G>T on the coding strand, the complement: NPHS2 is on the minus strand). VCF-style: chr1-179557203-C-A. GRCh37 (hg19) VCF-style: chr1-179526338-C-A.
Other names: c.534+2476G>T (NM_001297575.2); short protein forms E188*.
Identifiers: ClinVar variation 2734049 (VCV002734049.4), dbSNP rs757665750, ClinGen allele CA1267181.

ClinVar aggregate classification (germline): Pathogenic. Review status: criteria provided, multiple submitters, no conflicts (2 of 4 stars). 2 submissions from 2 submitters: Pathogenic (2). Last evaluated 2025-05-23.

Conditions:
Nephrotic syndrome, type 2 (NPHS2). Also called: NEPHROTIC SYNDROME, STEROID-RESISTANT, AUTOSOMAL RECESSIVE. Identifiers: Orphanet 656, MedGen C1868672, MONDO:0010974, OMIM 600995.

Allele frequency attached by ClinVar (database versions not stated): gnomAD exomes below 0.00001; ExAC 0.00001.
gnomAD v4.1: 2 of 1,613,908 alleles (0.00012%); highest among the groups gnomAD compares: South Asian, 0.0022%; no homozygotes.

Submissions (2):

Myriad Genetics, Inc.
Classification: Pathogenic for Nephrotic syndrome, type 2. Last evaluated: 2025-05-23. Review status: criteria provided, single submitter. Criteria: Myriad Autosomal Dominant, Autosomal Recessive and X-Linked Classification Criteria (2023). Collection method: clinical testing. Allele origin: unknown.
Comment: NM_014625.2(NPHS2):c.562G>T(E188*) is expected to be pathogenic in the context of nephrotic syndrome, NPHS2-related. This variant is predicted to lead to an abnormal or absent protein product due to the creation of a premature termination codon in NPHS2, a gene where loss-of-function variants are known to be pathogenic. Please note: this variant was assessed in the context of healthy population screening.

Labcorp Genetics (formerly Invitae), Labcorp
Classification: Pathogenic. Last evaluated: 2024-01-06. Review status: criteria provided, single submitter. Criteria: Invitae Variant Classification Sherloc (09022015). Collection method: clinical testing. Allele origin: germline.
Comment: This sequence change creates a premature translational stop signal (p.Glu188*) in the NPHS2 gene. It is expected to result in an absent or disrupted protein product. Loss-of-function variants in NPHS2 are known to be pathogenic (PMID: 10742096, 14701729, 15253708, 23595123). This variant is present in population databases (rs757665750, gnomAD 0.006%). This premature translational stop signal has been observed in individual(s) with nephrotic syndrome (PMID: 28780565). Algorithms developed to predict the effect of sequence changes on RNA splicing suggest that this variant may disrupt the consensus splice site. For these reasons, this variant has been classified as Pathogenic.

Literature cited by the submitters: PubMed 10742096 (cited by Labcorp Genetics (formerly Invitae), Labcorp); PubMed 14701729 (cited by Labcorp Genetics (formerly Invitae), Labcorp); PubMed 15253708 (cited by Labcorp Genetics (formerly Invitae), Labcorp); PubMed 23595123 (cited by Labcorp Genetics (formerly Invitae), Labcorp); PubMed 28780565 (cited by Labcorp Genetics (formerly Invitae), Labcorp).